The following is an entry in ClinVar:

NM_000321.3(RB1):c.75G>A (p.Pro25=)

Gene: RB1 (RB transcriptional corepressor 1; plus strand). Cytogenetic location: 13q14.2.
Variant type: single nucleotide variant.
Coding change: c.75G>A on transcript NM_000321.3 (MANE Select); coding-DNA position 75, G replaced by A.
Protein change: p.Pro25=; no amino-acid change (proline 25 retained).
Molecular consequence: synonymous variant.
Genome position (GRCh38, 1-based): chr13:48,303,987, G>A. VCF-style: chr13-48303987-G-A. GRCh37 (hg19) VCF-style: chr13-48878123-G-A.
Other names: c.75G>A, p.Pro25= (NM_001407165.1, NM_001407166.1, NM_001407167.1).
Identifiers: ClinVar variation 1759739 (VCV001759739.6), dbSNP rs2138027609, ClinGen allele CA483711622.

ClinVar aggregate classification (germline): Benign/Likely benign. Review status: criteria provided, multiple submitters, no conflicts (2 of 4 stars). 3 submissions from 3 submitters: Benign (1); Likely benign (2). Last evaluated 2026-06-23.

Conditions:
Hereditary cancer-predisposing syndrome. Also called: Neoplastic Syndromes, Hereditary; Tumor predisposition; Hereditary neoplastic syndrome; Hereditary Cancer Syndrome. Identifiers: Orphanet 140162, MedGen C0027672, MeSH D009386, MONDO:0015356.
Retinoblastoma (RB1). Also called: RETINOBLASTOMA, SOMATIC. Identifiers: Orphanet 790, MedGen C0035335, MeSH D012175, MONDO:0008380, OMIM 180200, HP:0009919. Disease mechanism: loss of function. Inheritance: Both sporadic and heritable forms are tested..

gnomAD v4.1: 1 of 1,498,754 alleles (0.000067%); no homozygotes.

Submissions (3):

Myriad Genetics, Inc.
Classification: Benign for Retinoblastoma. Last evaluated: 2026-06-23. Review status: criteria provided, single submitter. Criteria: Myriad Autosomal Dominant, Autosomal Recessive and X-Linked Classification Criteria (2023). Collection method: clinical testing. Allele origin: unknown.
Comment: This variant is considered benign. This variant is a silent/synonymous amino acid change and it is not expected to impact splicing.

Labcorp Genetics (formerly Invitae), Labcorp
Classification: Likely benign for Retinoblastoma. Last evaluated: 2023-04-07. Review status: criteria provided, single submitter. Criteria: Invitae Variant Classification Sherloc (09022015). Collection method: clinical testing. Allele origin: germline.

Ambry Genetics
Classification: Likely benign for Hereditary cancer-predisposing syndrome. Last evaluated: 2019-10-23. Review status: criteria provided, single submitter. Criteria: Ambry Variant Classification Scheme 2023. Collection method: clinical testing. Allele origin: germline.